The following is an entry in ClinVar:

NM_000245.4(MET):c.1324A>T (p.Ile442Leu)

Gene: MET (MET proto-oncogene, receptor tyrosine kinase; plus strand). Cytogenetic location: 7q31.2.
Variant type: single nucleotide variant.
Coding change: c.1324A>T on transcript NM_000245.4 (MANE Select); coding-DNA position 1324, A replaced by T.
Protein change: p.Ile442Leu; replaces isoleucine 442 with leucine.
Molecular consequence: missense variant.
Genome position (GRCh38, 1-based): chr7:116,731,791, A>T. VCF-style: chr7-116731791-A-T. GRCh37 (hg19) VCF-style: chr7-116371845-A-T.
Other names: c.1324A>T, p.Ile442Leu (NM_001127500.3, NM_001324401.3); c.34A>T, p.Ile12Leu (NM_001324402.2); short protein forms I442L, I12L.
Identifiers: ClinVar variation 4825359 (VCV004825359.1).

ClinVar aggregate classification (germline): Uncertain significance (1 of 4 stars; one submission).

Conditions:
Hereditary cancer-predisposing syndrome. Also called: Neoplastic Syndromes, Hereditary; Tumor predisposition; Hereditary Cancer Syndrome; Hereditary neoplastic syndrome. Identifiers: Orphanet 140162, MedGen C0027672, MeSH D009386, MONDO:0015356.

Submission:

Ambry Genetics
Classification: Uncertain significance for Hereditary cancer-predisposing syndrome. Last evaluated: 2026-02-13. Review status: criteria provided, single submitter. Criteria: Ambry Variant Classification Scheme 2023. Collection method: clinical testing. Allele origin: germline.
Comment: The p.I442L variant (also known as c.1324A>T), located in coding exon 2 of the MET gene, results from an A to T substitution at nucleotide position 1324. The isoleucine at codon 442 is replaced by leucine, an amino acid with highly similar properties. This amino acid position is highly conserved in available vertebrate species. In addition, this alteration is predicted to be tolerated by in silico analysis. Based on the available evidence, the clinical significance of this variant remains unclear.